The following is an entry in ClinVar:

NM_001130823.3(DNMT1):c.1156C>T (p.His386Tyr)

Gene: DNMT1 (DNA methyltransferase 1; minus strand). Cytogenetic location: 19p13.2.
Variant type: single nucleotide variant.
Coding change: c.1156C>T on transcript NM_001130823.3 (MANE Select); coding-DNA position 1156, C replaced by T.
Protein change: p.His386Tyr; replaces histidine 386 with tyrosine.
Molecular consequence: missense variant.
Genome position (GRCh38, 1-based): chr19:10,159,856, G>A on the plus strand (C>T on the coding strand, the complement: DNMT1 is on the minus strand). VCF-style: chr19-10159856-G-A. GRCh37 (hg19) VCF-style: chr19-10270532-G-A.
Other names: c.1108C>T, p.His370Tyr (NM_001318730.2, NM_001379.4); c.793C>T, p.His265Tyr (NM_001318731.2); short protein forms H265Y, H370Y, H386Y.
Identifiers: ClinVar variation 948324 (VCV000948324.9), dbSNP rs2038530495, ClinGen allele CA403939480.
Genomic context (GRCh38, chr19:10,159,856, plus strand): 5'-GGACAAGGGACAGGCAGAGGAAGGCTGGGAAGAGAGCTGTACGTACCGCGTCTGGTGGGT[G>A]CTGCCCATATTTGAGGTCAGGGTCGTCCAGGTACTGCCCGCACTGAATGCACTTGGGAGG-3'
Protein context (NP_001124295.1, residues 376-396): LDDPDLKYGQ[His386Tyr]PPDAVDEPQM

ClinVar aggregate classification (germline): Uncertain significance (1 of 4 stars; one submission).

Conditions:
Hereditary sensory neuropathy-deafness-dementia syndrome. Also called: NEUROPATHY, HEREDITARY SENSORY, WITH HEARING LOSS AND DEMENTIA; Hereditary Sensory and Autonomic Neuropathy Type 1E (HSAN1E); Hereditary sensory neuropathy type IE; HSN IE. Identifiers: Orphanet 456318, MedGen C3279885, MONDO:0013584, OMIM 614116.

Submission:

Labcorp Genetics (formerly Invitae), Labcorp
Classification: Uncertain significance for Hereditary sensory neuropathy-deafness-dementia syndrome. Last evaluated: 2019-07-26. Review status: criteria provided, single submitter. Criteria: Invitae Variant Classification Sherloc (09022015). Collection method: clinical testing. Allele origin: germline.
Comment: In summary, the available evidence is currently insufficient to determine the role of this variant in disease. Therefore, it has been classified as a Variant of Uncertain Significance. Algorithms developed to predict the effect of missense changes on protein structure and function (SIFT, PolyPhen-2, Align-GVGD) all suggest that this variant is likely to be tolerated, but these predictions have not been confirmed by published functional studies and their clinical significance is uncertain. This variant has not been reported in the literature in individuals with DNMT1-related conditions. This variant is not present in population databases (ExAC no frequency). This sequence change replaces histidine with tyrosine at codon 386 of the DNMT1 protein (p.His386Tyr). The histidine residue is moderately conserved and there is a moderate physicochemical difference between histidine and tyrosine.